The following is an entry in ClinVar:

ClinVar aggregate classification (germline): Uncertain significance (1 of 4 stars; one submission).

Conditions:
Cardiovascular phenotype. Identifiers: MedGen CN230736.

gnomAD v4.1: 4 of 1,613,168 alleles (0.00025%); highest among the groups gnomAD compares: Non-Finnish European, 0.00034%; no homozygotes.

Submission:

Ambry Genetics
Classification: Uncertain significance for Cardiovascular phenotype. Last evaluated: 2022-06-08. Review status: criteria provided, single submitter. Criteria: Ambry Variant Classification Scheme 2023. Collection method: clinical testing. Allele origin: germline.
Comment: The p.G788V variant (also known as c.2363G>T), located in coding exon 8 of the ALMS1 gene, results from a G to T substitution at nucleotide position 2363. The glycine at codon 788 is replaced by valine, an amino acid with dissimilar properties. This amino acid position is poorly conserved in available vertebrate species. In addition, this alteration is predicted to be tolerated by in silico analysis. Since supporting evidence is limited at this time, the clinical significance of this alteration remains unclear.

NM_001378454.1(ALMS1):c.2360G>T (p.Gly787Val)

Gene: ALMS1 (ALMS1 centrosome and basal body associated protein; plus strand). Cytogenetic location: 2p13.1.
Variant type: single nucleotide variant.
Coding change: c.2360G>T on transcript NM_001378454.1 (MANE Select); coding-DNA position 2360, G replaced by T.
Protein change: p.Gly787Val; replaces glycine 787 with valine.
Molecular consequence: missense variant.
Genome position (GRCh38, 1-based): chr2:73,448,887, G>T. VCF-style: chr2-73448887-G-T. GRCh37 (hg19) VCF-style: chr2-73676014-G-T.
Other names: c.2363G>T, p.Gly788Val (NM_015120.4); short protein forms G787V, G788V.
Identifiers: ClinVar variation 3226598 (VCV003226598.1), dbSNP rs1490340686, ClinGen allele CA347269810.